The following is an entry in ClinVar:

ClinVar aggregate classification (germline): Uncertain significance. Review status: criteria provided, multiple submitters, no conflicts (2 of 4 stars). 2 submissions from 2 submitters: Uncertain significance (2). Last evaluated 2025-05-26.

Conditions:
Inborn genetic diseases. Identifiers: MedGen C0950123, MeSH D030342.

Submissions (2):

Labcorp Genetics (formerly Invitae), Labcorp
Classification: Uncertain significance. Last evaluated: 2025-05-26. Review status: criteria provided, single submitter. Criteria: Invitae Variant Classification Sherloc (09022015). Collection method: clinical testing. Allele origin: germline.
Comment: This sequence change replaces proline, which is neutral and non-polar, with serine, which is neutral and polar, at codon 5 of the ETV6 protein (p.Pro5Ser). This variant is not present in population databases (gnomAD no frequency). This variant has not been reported in the literature in individuals affected with ETV6-related conditions. An algorithm developed to predict the effect of missense changes on protein structure and function (PolyPhen-2) suggests that this variant is likely to be tolerated. In summary, the available evidence is currently insufficient to determine the role of this variant in disease. Therefore, it has been classified as a Variant of Uncertain Significance.

Ambry Genetics
Classification: Uncertain significance for Inborn genetic diseases. Last evaluated: 2025-05-11. Review status: criteria provided, single submitter. Criteria: Ambry Variant Classification Scheme 2023. Collection method: clinical testing. Allele origin: germline.
Comment: The p.P5S variant (also known as c.13C>T), located in coding exon 1 of the ETV6 gene, results from a C to T substitution at nucleotide position 13. The proline at codon 5 is replaced by serine, an amino acid with similar properties. This amino acid position is conserved. In addition, this alteration is predicted to be tolerated by in silico analysis. Based on the available evidence, the clinical significance of this variant remains unclear.

NM_001987.5(ETV6):c.13C>T (p.Pro5Ser)

Gene: ETV6 (ETS variant transcription factor 6; plus strand). Cytogenetic location: 12p13.2.
Variant type: single nucleotide variant.
Coding change: c.13C>T on transcript NM_001987.5 (MANE Select); coding-DNA position 13, C replaced by T.
Protein change: p.Pro5Ser; replaces proline 5 with serine.
Molecular consequence: missense variant. On other transcripts: 5 prime UTR variant (2).
Genome position (GRCh38, 1-based): chr12:11,650,140, C>T. VCF-style: chr12-11650140-C-T. GRCh37 (hg19) VCF-style: chr12-11803074-C-T.
Other names: c.13C>T, p.Pro5Ser (NM_001413913.1, NM_001413916.1, NM_001413917.1 and 1 more transcripts); c.-140C>T (NM_001413914.1); c.-122C>T (NM_001413915.1); short protein forms P5S.
Identifiers: ClinVar variation 4020097 (VCV004020097.2).
Genomic context (GRCh38, chr12:11,650,140, plus strand): 5'-GAAAGTGGAAAAAACCTGAGAACTTCCTGATCTCTCTCGCTGTGAGACATGTCTGAGACT[C>T]CTGCTCAGTGTAGCATTAAGGTAAAAATCTTCTCCCCTCCTTCTACGTGGTGGAAACCCT-3'
Protein context (NP_001978.1, residues 1-15): MSET[Pro5Ser]AQCSIKQERI